The following is an entry in ClinVar:

ClinVar aggregate classification (germline): Uncertain significance (1 of 4 stars; one submission).

gnomAD v4.1: 1 of 1,614,012 alleles (0.000062%); no homozygotes.

Submission:

Mayo Clinic Laboratories, Mayo Clinic
Classification: Uncertain significance. Last evaluated: 2024-03-28. Review status: criteria provided, single submitter. Criteria: ACMG Guidelines, 2015. Collection method: clinical testing. Allele origin: germline. Observed: 1 variant allele.
Comment: PP3, PM2

NM_006755.2(TALDO1):c.740T>C (p.Leu247Pro)

Gene: TALDO1 (transaldolase 1; plus strand). Cytogenetic location: 11p15.5.
Variant type: single nucleotide variant.
Coding change: c.740T>C on transcript NM_006755.2 (MANE Select); coding-DNA position 740, T replaced by C.
Protein change: p.Leu247Pro; replaces leucine 247 with proline.
Molecular consequence: missense variant.
Genome position (GRCh38, 1-based): chr11:763,849, T>C. VCF-style: chr11-763849-T-C. GRCh37 (hg19) VCF-style: chr11-763849-T-C.
Other names: p.Leu247Pro; short protein forms L247P.
Identifiers: ClinVar variation 3380002 (VCV003380002.1).